The following is an entry in ClinVar:

ClinVar aggregate classification (germline): Conflicting classifications of pathogenicity. Review status: criteria provided, conflicting classifications (1 of 4 stars). 3 submissions from 3 submitters: Uncertain significance (2); Likely benign (1). Last evaluated 2025-02-12.

Conditions:
Hereditary cancer-predisposing syndrome. Also called: Tumor predisposition; Hereditary neoplastic syndrome; Neoplastic Syndromes, Hereditary; Hereditary Cancer Syndrome. Identifiers: Orphanet 140162, MedGen C0027672, MeSH D009386, MONDO:0015356.
Hereditary breast ovarian cancer syndrome. Also called: Hereditary breast and ovarian cancer; Hereditary breast and/or ovarian cancer syndrome; Hereditary breast and ovarian cancer syndrome; Hereditary breast and ovarian cancer syndrome (HBOC); BRCA1- and BRCA2-Associated Hereditary Breast and Ovarian Cancer; Breast and ovarian cancer. Identifiers: Orphanet 145, MedGen C0677776, MeSH D061325, MONDO:0003582. Disease mechanism: loss of function.

gnomAD v4.1: 5 of 1,595,456 alleles (0.00031%); highest among the groups gnomAD compares: Non-Finnish European, 0.00043%; no homozygotes.

Submissions (3):

Labcorp Genetics (formerly Invitae), Labcorp
Classification: Likely benign for Hereditary breast ovarian cancer syndrome. Last evaluated: 2025-02-12. Review status: criteria provided, single submitter. Criteria: Invitae Variant Classification Sherloc (09022015). Collection method: clinical testing. Allele origin: germline.

Color Diagnostics, LLC DBA Color Health
Classification: Uncertain significance for Hereditary cancer-predisposing syndrome. Last evaluated: 2024-03-11. Review status: criteria provided, single submitter. Criteria: ACMG Guidelines, 2015. Collection method: clinical testing. Allele origin: germline.
Comment: This synonymous variant causes a G>A nucleotide change in exon 10 of the BRCA2 gene. Splice site prediction tools are inconclusive regarding the impact of this variant on RNA splicing. To our knowledge, functional studies have not been reported for this variant. This variant has not been reported in individuals affected with BRCA2-related disorders in the literature. This variant has not been identified in the general population by the Genome Aggregation Database (gnomAD). The available evidence is insufficient to determine the role of this variant in disease conclusively. Therefore, this variant is classified as a Variant of Uncertain Significance.

Ambry Genetics
Classification: Uncertain significance for Hereditary cancer-predisposing syndrome. Last evaluated: 2023-11-21. Review status: criteria provided, single submitter. Criteria: Ambry Variant Classification Scheme 2023. Collection method: clinical testing. Allele origin: germline.
Comment: The c.1497G>A variant (also known as p.Q499Q), located in coding exon 9 of the BRCA2 gene, results from a G to A substitution at nucleotide position 1497. This nucleotide substitution does not change the glutamine at codon 499. This nucleotide position is well conserved in available vertebrate species. In silico splice site analysis predicts that this alteration may result in the creation or strengthening of a novel splice donor site; however direct evidence is insufficient (Ambry internal data). Since supporting evidence is limited at this time, the clinical significance of this alteration remains unclear.

NM_000059.4(BRCA2):c.1497G>A (p.Gln499=)

Gene: BRCA2 (BRCA2 DNA repair associated; plus strand). Cytogenetic location: 13q13.1.
Variant type: single nucleotide variant.
Coding change: c.1497G>A on transcript NM_000059.4 (MANE Select); coding-DNA position 1497, G replaced by A.
Protein change: p.Gln499=; no amino-acid change (glutamine 499 retained).
Molecular consequence: synonymous variant.
Genome position (GRCh38, 1-based): chr13:32,332,975, G>A. VCF-style: chr13-32332975-G-A. GRCh37 (hg19) VCF-style: chr13-32907112-G-A.
Identifiers: ClinVar variation 952677 (VCV000952677.14), dbSNP rs2072414803, ClinGen allele CA483436721.